The following is an entry in ClinVar:

NM_001148.6(ANK2):c.4212dup (p.Ala1405fs)

Gene: ANK2 (ankyrin 2; plus strand). Cytogenetic location: 4q26.
Variant type: Duplication.
Coding change: c.4212dup on transcript NM_001148.6 (MANE Select); coding-DNA position 4212, one base duplicated (T; older notation c.4212dupT).
Protein change: p.Ala1405fs; shifts the reading frame from alanine 1405.
Molecular consequence: frameshift variant.
Genome position (GRCh38, 1-based): chr4:113,343,106, T duplicated; the last of 7 consecutive T bases (chr4:113,343,100-113,343,106); duplicating any one gives the same sequence. VCF-style (leftmost placement, unchanged base first): chr4-113343099-G-GT. GRCh37 (hg19) VCF-style: chr4-114264255-G-GT.
Other names: c.4185dup, p.Ala1396fs (NM_001127493.3); c.4224dup, p.Ala1409fs (NM_001354225.2); c.4113dup, p.Ala1372fs (NM_001354228.2, NM_001354258.2); c.4191dup, p.Ala1398fs (NM_001354230.2); c.4254dup, p.Ala1419fs (NM_001354231.2, NM_001354242.2); c.4248dup, p.Ala1417fs (NM_001354232.2); c.4209dup, p.Ala1404fs (NM_001354235.2, NM_001354246.2, NM_001354265.2); c.4110dup, p.Ala1371fs (NM_001354236.2); and 31 more; short protein forms A1310fs, A1339fs, A1350fs, A1360fs, A1372fs, A1384fs, A1409fs, A1420fs.
Identifiers: ClinVar variation 4732021 (VCV004732021.1).

ClinVar aggregate classification (germline): Pathogenic (1 of 4 stars; one submission).

Conditions:
Long QT syndrome (LQTS). Identifiers: MedGen C0023976, MeSH D008133, MONDO:0002442. Disease mechanism: loss of function. Inheritance: Various modes of inheritance.

Submission:

Labcorp Genetics (formerly Invitae), Labcorp
Classification: Pathogenic for Long QT syndrome. Last evaluated: 2025-07-21. Review status: criteria provided, single submitter. Criteria: Invitae Variant Classification Sherloc (09022015). Collection method: clinical testing. Allele origin: germline.
Comment: This sequence change creates a premature translational stop signal (p.Ala1405Cysfs*6) in the ANK2 gene. It is expected to result in an absent or disrupted protein product. Loss-of-function variants in ANK2 are known to be pathogenic (PMID: 37195288). This variant is not present in population databases (gnomAD no frequency). This variant has not been reported in the literature in individuals affected with ANK2-related conditions. For these reasons, this variant has been classified as Pathogenic.

Literature cited by the submitters: PubMed 37195288.